The following is an entry in ClinVar:

ClinVar aggregate classification (germline): Benign/Likely benign. Review status: criteria provided, multiple submitters, no conflicts (2 of 4 stars). 12 submissions from 12 submitters: Benign (7); Likely benign (3). 2 of the submissions do not count toward it. Last evaluated 2026-02-04.

Conditions:
Familial thoracic aortic aneurysm and aortic dissection (TAAD). Also called: Thoracic aortic aneurysms and dissections. Identifiers: Orphanet 91387, MedGen C4707243, MONDO:0019625.
Aortic aneurysm, familial thoracic 7 (AAT7). Also called: AORTIC DISSECTION, FAMILIAL, WITH OR WITHOUT AORTIC ANEURYSM. Identifiers: MedGen C3151077, MONDO:0013418, OMIM 613780.

Allele frequency attached by ClinVar (database versions not stated): ESP Exome Variant Server 0.05013; gnomAD 0.06754; TOPMed 0.07724; gnomAD exomes 0.10187; 1000 Genomes Project 30x 0.21611; 1000 Genomes Project 0.22604.
gnomAD v4.1: 84,026 of 1,613,966 alleles (5.2%); highest among the groups gnomAD compares: East Asian, 49%; 10,207 homozygotes.

Submissions (12):

Labcorp Genetics (formerly Invitae), Labcorp
Classification: Benign for Aortic aneurysm, familial thoracic 7. Last evaluated: 2026-02-04. Review status: criteria provided, single submitter. Criteria: Invitae Variant Classification Sherloc (09022015). Collection method: clinical testing. Allele origin: germline.

Blueprint Genetics
Classification: Likely benign. Last evaluated: 2024-11-26. Review status: criteria provided, single submitter. Criteria: ACMG Guidelines, 2015. Collection method: clinical testing. Allele origin: germline.

Women's Health and Genetics/Laboratory Corporation of America, LabCorp
Classification: Likely benign. Last evaluated: 2020-08-16. Review status: criteria provided, single submitter. Criteria: LabCorp Variant Classification Summary - May 2015. Collection method: clinical testing. Allele origin: germline.

Illumina Laboratory Services, Illumina
Classification: Benign for Aortic aneurysm, familial thoracic 7. Last evaluated: 2018-01-13. Review status: criteria provided, single submitter. Criteria: ICSL Variant Classification Criteria 13 December 2019. Collection method: clinical testing. Allele origin: germline.
Comment: This variant was observed in the ICSL laboratory as part of a predisposition screen in an ostensibly healthy population. It had not been previously curated by ICSL or reported in the Human Gene Mutation Database (HGMD: prior to June 1st, 2018), and was therefore a candidate for classification through an automated scoring system. Utilizing variant allele frequency, disease prevalence and penetrance estimates, and inheritance mode, an automated score was calculated to assess if this variant is too frequent to cause the disease. Based on the score and internal cut-off values, a variant classified as benign is not then subjected to further curation. The score for this variant resulted in a classification of benign for this disease.

GeneDx
Classification: Benign. Last evaluated: 2016-09-27. Review status: criteria provided, single submitter. Criteria: GeneDx Variant Classification (06012015). Collection method: clinical testing. Allele origin: germline. Affected: yes.
Comment: This variant is considered likely benign or benign based on one or more of the following criteria: it is a conservative change, it occurs at a poorly conserved position in the protein, it is predicted to be benign by multiple in silico algorithms, and/or has population frequency not consistent with disease.

Ambry Genetics
Classification: Benign for Familial thoracic aortic aneurysm and aortic dissection. Last evaluated: 2015-01-23. Review status: criteria provided, single submitter. Criteria: Ambry Variant Classification Scheme 2023. Collection method: clinical testing. Allele origin: germline.

Mayo Clinic Laboratories, Mayo Clinic
Classification: Benign. Last evaluated: 2014-04-17. Review status: criteria provided, single submitter. Criteria: ACMG Guidelines, 2015. Collection method: clinical testing. Allele origin: germline. Observed: 95 variant alleles.

Laboratory for Molecular Medicine, Mass General Brigham Personalized Medicine
Classification: Benign. Last evaluated: 2013-04-04. Review status: criteria provided, single submitter. Criteria: LMM Criteria. Collection method: clinical testing. Allele origin: germline. Observed: 7 variant alleles.
Comment: Asp914Glu in exon 18 of MYLK: This variant is not expected to have clinical sign ificance because it has been identified in 11.4% (504/4406) of African American chromosomes from a broad population by the NHLBI Exome Sequencing Project (dbSNP rs3732487).

Breakthrough Genomics
Classification: Likely benign. Review status: criteria provided, single submitter. Criteria: ACMG Guidelines, 2015. Collection method: not provided. Allele origin: germline. Inheritance: Autosomal recessive inheritance. Affected: yes.

PreventionGenetics, part of Exact Sciences
Classification: Benign. Review status: criteria provided, single submitter. Criteria: ACMG Guidelines, 2015. Collection method: clinical testing. Allele origin: germline.

Clinical Genetics DNA and cytogenetics Diagnostics Lab, Erasmus MC, Erasmus Medical Center
Classification: Benign. Review status: no assertion criteria provided. Collection method: clinical testing. Allele origin: germline. Affected: yes. Study: VKGL Data-share Consensus. Not counted in ClinVar's aggregate classification.

Genome Diagnostics Laboratory, Amsterdam University Medical Center
Classification: Benign. Review status: no assertion criteria provided. Collection method: clinical testing. Allele origin: germline. Affected: yes. Study: VKGL Data-share Consensus. Not counted in ClinVar's aggregate classification.

NM_053025.4(MYLK):c.2742C>A (p.Asp914Glu)

Gene: MYLK (myosin light chain kinase; minus strand). Cytogenetic location: 3q21.1.
Variant type: single nucleotide variant.
Coding change: c.2742C>A on transcript NM_053025.4 (MANE Select); coding-DNA position 2742, C replaced by A.
Protein change: p.Asp914Glu; replaces aspartic acid 914 with glutamic acid.
Molecular consequence: missense variant.
Genome position (GRCh38, 1-based): chr3:123,700,726, G>T on the plus strand (C>A on the coding strand, the complement: MYLK is on the minus strand). VCF-style: chr3-123700726-G-T. GRCh37 (hg19) VCF-style: chr3-123419573-G-T.
Other names: c.2214C>A, p.Asp738Glu (NM_001321309.2); c.2535C>A, p.Asp845Glu (NM_053026.4, NM_053028.4); c.2742C>A, p.Asp914Glu (NM_053027.4); short protein forms D914E, D738E, D845E.
Identifiers: ClinVar variation 226759 (VCV000226759.29), dbSNP rs3732487, ClinGen allele CA068964.